The following is an entry in ClinVar:

ClinVar aggregate classification (germline): Likely benign (0 of 4 stars; one submission).

Conditions:
SEMA3A-related disorder. Also called: SEMA3A-related condition.

Submission:

PreventionGenetics, part of Exact Sciences
Classification: Likely benign for SEMA3A-related condition. Last evaluated: 2023-12-30. Review status: no assertion criteria provided. Collection method: clinical testing. Allele origin: germline.
Comment: This variant is classified as likely benign based on ACMG/AMP sequence variant interpretation guidelines (Richards et al. 2015 PMID: 25741868, with internal and published modifications).

NM_006080.3(SEMA3A):c.1236A>G (p.Pro412=)

Gene: SEMA3A (semaphorin 3A; minus strand). Cytogenetic location: 7q21.11.
Variant type: single nucleotide variant.
Coding change: c.1236A>G on transcript NM_006080.3 (MANE Select); coding-DNA position 1236, A replaced by G.
Protein change: p.Pro412=; no amino-acid change (proline 412 retained).
Molecular consequence: synonymous variant.
Genome position (GRCh38, 1-based): chr7:84,005,463, T>C on the plus strand (A>G on the coding strand, the complement: SEMA3A is on the minus strand). VCF-style: chr7-84005463-T-C. GRCh37 (hg19) VCF-style: chr7-83634779-T-C.
Identifiers: ClinVar variation 3356103 (VCV003356103.1).